The following is an entry in ClinVar:

NM_000057.4(BLM):c.685G>A (p.Glu229Lys)

Gene: BLM (BLM RecQ like helicase; plus strand). Cytogenetic location: 15q26.1.
Variant type: single nucleotide variant.
Coding change: c.685G>A on transcript NM_000057.4 (MANE Select); coding-DNA position 685, G replaced by A.
Protein change: p.Glu229Lys; replaces glutamic acid 229 with lysine.
Molecular consequence: missense variant. On other transcripts: 5 prime UTR variant (1).
Genome position (GRCh38, 1-based): chr15:90,749,953, G>A. VCF-style: chr15-90749953-G-A. GRCh37 (hg19) VCF-style: chr15-91293183-G-A.
Other names: c.685G>A, p.Glu229Lys (NM_001287246.2, NM_001287247.2); c.-607G>A (NM_001287248.2); short protein forms E229K.
Identifiers: ClinVar variation 1410226 (VCV001410226.5), dbSNP rs1555418428, ClinGen allele CA393841333.

ClinVar aggregate classification (germline): Uncertain significance (1 of 4 stars; one submission).

Conditions:
Bloom syndrome (BLM). Also called: Bloom-Torre-Machacek syndrome. Identifiers: Orphanet 125, MedGen C0005859, MONDO:0008876, OMIM 210900.

Allele frequency attached by ClinVar (database versions not stated): gnomAD 0.00001.

Submission:

Labcorp Genetics (formerly Invitae), Labcorp
Classification: Uncertain significance for Bloom syndrome. Last evaluated: 2021-08-26. Review status: criteria provided, single submitter. Criteria: Invitae Variant Classification Sherloc (09022015). Collection method: clinical testing. Allele origin: germline.
Comment: This sequence change replaces glutamic acid with lysine at codon 229 of the BLM protein (p.Glu229Lys). The glutamic acid residue is weakly conserved and there is a small physicochemical difference between glutamic acid and lysine. This variant is not present in population databases (ExAC no frequency). This variant has not been reported in the literature in individuals affected with BLM-related conditions. Algorithms developed to predict the effect of missense changes on protein structure and function output the following: SIFT: "Tolerated"; PolyPhen-2: "Benign"; Align-GVGD: "Class C0". The lysine amino acid residue is found in multiple mammalian species, which suggests that this missense change does not adversely affect protein function. In summary, the available evidence is currently insufficient to determine the role of this variant in disease. Therefore, it has been classified as a Variant of Uncertain Significance.